The following is an entry in ClinVar:

ClinVar aggregate classification (germline): Conflicting classifications of pathogenicity. Review status: criteria provided, conflicting classifications (1 of 4 stars). 2 submissions from 2 submitters: Likely pathogenic (1); Uncertain significance (1). Last evaluated 2023-05-05.

Conditions:
Amelogenesis imperfecta type 1G (AI1G). Also called: Amelogenesis imperfecta-gingival hyperplasia syndrome; AMELOGENESIS IMPERFECTA, TYPE IG; AMELOGENESIS IMPERFECTA, HYPOPLASTIC, AND NEPHROCALCINOSIS; Amelogenesis imperfecta hypoplastic type, IG; Amelogenesis imperfecta and nephrocalcinosis; Amelogenesis imperfecta nephrocalcinosis. Identifiers: Orphanet 1031, Orphanet 171836, MedGen C2931783, MONDO:0008771, OMIM 204690. Disease mechanism: loss of function.

Submissions (2):

Department of Pathology and Laboratory Medicine, Sinai Health System
Classification: Likely pathogenic for Amelogenesis imperfecta type 1G. Last evaluated: 2023-05-05. Review status: criteria provided, single submitter. Criteria: ACMG Guidelines, 2015. Collection method: research. Allele origin: germline.

Labcorp Genetics (formerly Invitae), Labcorp
Classification: Uncertain significance. Last evaluated: 2022-02-19. Review status: criteria provided, single submitter. Criteria: Invitae Variant Classification Sherloc (09022015). Collection method: clinical testing. Allele origin: germline.
Comment: This variant, c.1106_1108del, results in the deletion of 1 amino acid(s) of the FAM20A protein (p.Glu1107del), but otherwise preserves the integrity of the reading frame. This variant is present in population databases (rs771807792, gnomAD 0.02%). This variant has not been reported in the literature in individuals affected with FAM20A-related conditions. This variant is also known as c.1108_1109+1del. Algorithms developed to predict the effect of sequence changes on RNA splicing suggest that this variant may disrupt the consensus splice site. In summary, the available evidence is currently insufficient to determine the role of this variant in disease. Therefore, it has been classified as a Variant of Uncertain Significance.

NM_017565.4(FAM20A):c.1108_1109+1del

Genes: FAM20A (FAM20A golgi associated secretory pathway pseudokinase; minus strand), PRKAR1A (protein kinase cAMP-dependent type I regulatory subunit alpha; plus strand). Cytogenetic location: 17q24.2.
Variant type: Microsatellite.
Coding change: c.1108_1109+1del on transcript NM_017565.4 (MANE Select); coding-DNA position 1108 through the canonical splice donor site of the intron after coding-DNA position 1109, 3 bases deleted (GAG; older notation c.1108_1109+1delGAG).
Molecular consequence: splice donor variant. On other transcripts: intron variant (1).
Genome position (GRCh38, 1-based): chr17:68,541,984-68,541,986, CTC deleted on the plus strand (GAG on the coding strand, the reverse complement: FAM20A is on the minus strand); deleting any 3 consecutive bases within chr17:68,541,984-68,541,989 gives the same sequence; the c. name uses the placement nearest the transcript's 3' end. VCF-style (leftmost placement, unchanged base first): chr17-68541983-ACTC-A. GRCh37 (hg19) VCF-style: chr17-66538124-ACTC-A.
Other names: c.974-9097_974-9095del (NM_001276290.1); c.694_695+1del (NM_001243746.2).
Identifiers: ClinVar variation 1917502 (VCV001917502.5), dbSNP rs771807792, ClinGen allele CA8729823.